The following is an entry in ClinVar:

ClinVar aggregate classification (germline): Likely benign. Review status: criteria provided, multiple submitters, no conflicts (2 of 4 stars). 3 submissions from 3 submitters: Likely benign (3). Last evaluated 2025-11-13.

Conditions:
RYR1-related disorder. Also called: RYR1-related condition; RYR1-related disorders. Identifiers: MedGen CN239331.
Malignant hyperthermia, susceptibility to, 1 (MHS1). Also called: Anesthesia related hyperthermia; Malignant hyperpyrexia; Fulminating hyperpyrexia; Pharmacogenic myopathy; Malignant hyperthermia suceptibility 1; RYR1-Related Malignant Hyperthermia Susceptibility. Identifiers: Orphanet 423, MedGen C2930980, MONDO:0007783, OMIM 145600.

Allele frequency attached by ClinVar (database versions not stated): gnomAD exomes below 0.00001; TOPMed below 0.00001; gnomAD 0.00001 and 0.00002.
gnomAD v4.1: 22 of 1,614,040 alleles (0.0014%); highest among the groups gnomAD compares: African/African-American, 0.011%; no homozygotes.

Submissions (3):

Labcorp Genetics (formerly Invitae), Labcorp
Classification: Likely benign for RYR1-related disorder. Last evaluated: 2025-11-13. Review status: criteria provided, single submitter. Criteria: Invitae Variant Classification Sherloc (09022015). Collection method: clinical testing. Allele origin: germline.

All of Us Research Program, National Institutes of Health
Classification: Likely benign for Malignant hyperthermia, susceptibility to, 1. Last evaluated: 2024-07-29. Review status: criteria provided, single submitter. Criteria: ACMG Guidelines, 2015. Collection method: clinical testing. Allele origin: germline. Inheritance: Autosomal dominant inheritance. Observed: 3 variant alleles, 3 heterozygotes.
Comment: This study involves interpretation of variants in research participants for the purpose of population health screening. Participant phenotype was not available at the time of variant classification. Additional details can be found in publication PMID: 35346344, PMCID: PMC8962531

Color Diagnostics, LLC DBA Color Health
Classification: Likely benign for Malignant hyperthermia, susceptibility to, 1. Last evaluated: 2024-04-17. Review status: criteria provided, single submitter. Criteria: ACMG Guidelines, 2015. Collection method: clinical testing. Allele origin: germline.

NM_000540.3(RYR1):c.12429G>A (p.Ala4143=)

Gene: RYR1 (ryanodine receptor 1; plus strand). Cytogenetic location: 19q13.2.
Variant type: single nucleotide variant.
Coding change: c.12429G>A on transcript NM_000540.3 (MANE Select); coding-DNA position 12429, G replaced by A.
Protein change: p.Ala4143=; no amino-acid change (alanine 4143 retained).
Molecular consequence: synonymous variant.
Genome position (GRCh38, 1-based): chr19:38,561,259, G>A. VCF-style: chr19-38561259-G-A. GRCh37 (hg19) VCF-style: chr19-39051899-G-A.
Other names: c.12414G>A, p.Ala4138= (NM_001042723.2).
Identifiers: ClinVar variation 478171 (VCV000478171.9), dbSNP rs112288982, ClinGen allele CA308105722.